The following is an entry in ClinVar:

NM_006941.4(SOX10):c.100G>A (p.Asp34Asn)

Genes: POLR2F (RNA polymerase II, I and III subunit F; plus strand), SOX10 (SRY-box transcription factor 10; minus strand). Cytogenetic location: 22q13.1.
Variant type: single nucleotide variant.
Coding change: c.100G>A on transcript NM_006941.4 (MANE Select); coding-DNA position 100, G replaced by A.
Protein change: p.Asp34Asn; replaces aspartic acid 34 with asparagine.
Molecular consequence: missense variant. On other transcripts: intron variant (3).
Genome position (GRCh38, 1-based): chr22:37,983,685, C>T on the plus strand (G>A on the coding strand, the complement: SOX10 is on the minus strand). VCF-style: chr22-37983685-C-T. GRCh37 (hg19) VCF-style: chr22-38379692-C-T.
Other names: c.*38+11375C>T (NM_001363825.1); c.294-2469C>T (NM_001301130.2); c.293+16515C>T (NM_001301131.2); short protein forms D34N.
Identifiers: ClinVar variation 4709963 (VCV004709963.1).
Genomic context (GRCh38, chr22:37,983,685, plus strand): 5'-CCTTGCCCAGCTCGCCTGGCCCCGGGCTGGCTCGCAGGCCCGATCCGCCGCCGCCGCCGT[C>T]GGGCCCTAGCGAGGGCGCGCTCCCCGGGGACAGGCAGCGGGGCTCCTCCGAGCCCACGGG-3'
Protein context (NP_008872.1, residues 24-44): SPGSAPSLGP[Asp34Asn]GGGGGSGLRA

ClinVar aggregate classification (germline): Uncertain significance (1 of 4 stars; one submission).

Submission:

Labcorp Genetics (formerly Invitae), Labcorp
Classification: Uncertain significance. Last evaluated: 2025-10-06. Review status: criteria provided, single submitter. Criteria: Invitae Variant Classification Sherloc (09022015). Collection method: clinical testing. Allele origin: germline.
Comment: This sequence change replaces aspartic acid, which is acidic and polar, with asparagine, which is neutral and polar, at codon 34 of the SOX10 protein (p.Asp34Asn). This variant is not present in population databases (gnomAD no frequency). This variant has not been reported in the literature in individuals affected with SOX10-related conditions. Invitae Evidence Modeling of protein sequence and biophysical properties (such as structural, functional, and spatial information, amino acid conservation, physicochemical variation, residue mobility, and thermodynamic stability) indicates that this missense variant is not expected to disrupt SOX10 protein function with a negative predictive value of 95%. In summary, the available evidence is currently insufficient to determine the role of this variant in disease. Therefore, it has been classified as a Variant of Uncertain Significance.